The following is an entry in ClinVar:

ClinVar aggregate classification (germline): Likely benign (1 of 4 stars; one submission).

gnomAD v4.1: 3,322 of 1,614,022 alleles (0.21%); highest among the groups gnomAD compares: Non-Finnish European, 0.26%; 7 homozygotes.

Submission:

CeGaT Center for Human Genetics Tuebingen
Classification: Likely benign. Last evaluated: 2024-09-01. Review status: criteria provided, single submitter. Criteria: CeGaT Center For Human Genetics Tuebingen Variant Classification Criteria Version 2. Collection method: clinical testing. Allele origin: germline. Affected: yes. Observed: 1 variant allele.
Comment: STK31: BS2

NM_031414.5(STK31):c.2936C>G (p.Ser979Ter)

Gene: STK31 (serine/threonine kinase 31; plus strand). Cytogenetic location: 7p15.3.
Variant type: single nucleotide variant.
Coding change: c.2936C>G on transcript NM_031414.5 (MANE Select); coding-DNA position 2936, C replaced by G.
Protein change: p.Ser979Ter; replaces serine 979 with a stop codon.
Molecular consequence: nonsense. On other transcripts: non-coding transcript variant (1).
Genome position (GRCh38, 1-based): chr7:23,832,242, C>G. VCF-style: chr7-23832242-C-G. GRCh37 (hg19) VCF-style: chr7-23871861-C-G.
Other names: c.2867C>G, p.Ser956Ter (NM_001260504.2, NM_001260505.2, NM_032944.4); short protein forms S956*, S979*.
Identifiers: ClinVar variation 3388000 (VCV003388000.14).